The following is an entry in ClinVar:

ClinVar aggregate classification (germline): Uncertain significance (1 of 4 stars; one submission).

Conditions:
Progressive familial intrahepatic cholestasis type 2. Identifiers: Orphanet 79304, MedGen C3489789, MONDO:0011156, OMIM 601847.

gnomAD v4.1: 3 of 1,606,144 alleles (0.00019%); no homozygotes.

Submission:

Broad Center for Mendelian Genomics, Broad Institute of MIT and Harvard
Classification: Uncertain significance for Progressive familial intrahepatic cholestasis type 2. Last evaluated: 2025-01-23. Review status: criteria provided, single submitter. Criteria: ACMG Guidelines, 2015. Collection method: curation. Allele origin: germline. Inheritance: Autosomal recessive inheritance.
Comment: The p.Phe1080Ser variant in ABCB11 has been reported in 1 individual with BSEP deficiency (PMID: 21490445), and has been identified in 0.01% (3/29404) of Ashkenazi Jewish chromosomes by the Genome Aggregation Database (gnomAD). Although this variant has been seen in the general population in a heterozygous state, its frequency is low enough to be consistent with a recessive carrier frequency. Computational prediction tools and conservation analyses suggest that this variant may impact the protein, though this information is not predictive enough to determine pathogenicity. In summary, the clinical significance of the p.Phe1080Ser variant is uncertain. ACMGAMP Criteria applied: PP3_moderate, PM2_supporting (Richards 2015).

NM_003742.4(ABCB11):c.3239T>C (p.Phe1080Ser)

Gene: ABCB11 (ATP binding cassette subfamily B member 11; minus strand). Cytogenetic location: 2q31.1.
Variant type: single nucleotide variant.
Coding change: c.3239T>C on transcript NM_003742.4 (MANE Select); coding-DNA position 3239, T replaced by C.
Protein change: p.Phe1080Ser; replaces phenylalanine 1080 with serine.
Molecular consequence: missense variant.
Genome position (GRCh38, 1-based): chr2:168,930,837, A>G on the plus strand (T>C on the coding strand, the complement: ABCB11 is on the minus strand). VCF-style: chr2-168930837-A-G. GRCh37 (hg19) VCF-style: chr2-169787347-A-G.
Other names: NM_003742.4:c.3239T>C; short protein forms F1080S.
Identifiers: ClinVar variation 3776838 (VCV003776838.1).